The following is an entry in ClinVar:

NM_000548.5(TSC2):c.2634C>T (p.Pro878=)

Gene: TSC2 (TSC complex subunit 2; plus strand). Cytogenetic location: 16p13.3.
Variant type: single nucleotide variant.
Coding change: c.2634C>T on transcript NM_000548.5 (MANE Select); coding-DNA position 2634, C replaced by T.
Protein change: p.Pro878=; no amino-acid change (proline 878 retained).
Molecular consequence: synonymous variant. On other transcripts: non-coding transcript variant (5).
Genome position (GRCh38, 1-based): chr16:2,075,887, C>T. VCF-style: chr16-2075887-C-T. GRCh37 (hg19) VCF-style: chr16-2125888-C-T.
Other names: c.2634C>T, p.Pro878= (NM_001077183.3, NM_001114382.3, NM_001363528.2 and 6 more transcripts); c.2523C>T, p.Pro841= (NM_001318827.2, NM_001406670.1, NM_001406678.1); c.2487C>T, p.Pro829= (NM_001318829.2, NM_001406675.1, NM_001406676.1 and 1 more transcripts); c.2034C>T, p.Pro678= (NM_001318831.2, NM_001406680.1, NM_001406682.1 and 6 more transcripts); c.2667C>T, p.Pro889= (NM_001318832.2); c.2724C>T, p.Pro908= (NM_001406667.1, NM_001406668.1); c.2622C>T, p.Pro874= (NM_001406671.1, NM_001406673.1); c.2577C>T, p.Pro859= (NM_001406677.1); and 3 more.
Identifiers: ClinVar variation 1794099 (VCV001794099.21), dbSNP rs963726383, ClinGen allele CA492953516.

ClinVar aggregate classification (germline): Likely benign. Review status: criteria provided, multiple submitters, no conflicts (2 of 4 stars). 3 submissions from 3 submitters: Likely benign (3). Last evaluated 2024-11-20.

Conditions:
Tuberous sclerosis 2 (TSC2). Identifiers: Orphanet 805, MedGen C1860707, MONDO:0013199, OMIM 613254.
Hereditary cancer-predisposing syndrome. Also called: Hereditary neoplastic syndrome; Neoplastic Syndromes, Hereditary; Tumor predisposition; Hereditary Cancer Syndrome. Identifiers: Orphanet 140162, MedGen C0027672, MeSH D009386, MONDO:0015356.

Allele frequency attached by ClinVar (database versions not stated): gnomAD exomes below 0.00001.
gnomAD v4.1: 1 of 1,613,226 alleles (0.000062%); highest among the groups gnomAD compares: Non-Finnish European, 0.000085%; no homozygotes.

Submissions (3):

Labcorp Genetics (formerly Invitae), Labcorp
Classification: Likely benign for Tuberous sclerosis 2. Last evaluated: 2024-11-20. Review status: criteria provided, single submitter. Criteria: Invitae Variant Classification Sherloc (09022015). Collection method: clinical testing. Allele origin: germline.

CeGaT Center for Human Genetics Tuebingen
Classification: Likely benign. Last evaluated: 2024-11-01. Review status: criteria provided, single submitter. Criteria: CeGaT Center For Human Genetics Tuebingen Variant Classification Criteria Version 2. Collection method: clinical testing. Allele origin: germline. Affected: yes. Observed: 1 variant allele.
Comment: TSC2: BP4, BP7

Ambry Genetics
Classification: Likely benign for Hereditary cancer-predisposing syndrome. Last evaluated: 2021-12-16. Review status: criteria provided, single submitter. Criteria: Ambry Variant Classification Scheme 2023. Collection method: clinical testing. Allele origin: germline.